The following is an entry in ClinVar:

NM_139057.4(ADAMTS17):c.2431G>C (p.Gly811Arg)

Gene: ADAMTS17 (ADAM metallopeptidase with thrombospondin type 1 motif 17; minus strand). Cytogenetic location: 15q26.3.
Variant type: single nucleotide variant.
Coding change: c.2431G>C on transcript NM_139057.4 (MANE Select); coding-DNA position 2431, G replaced by C.
Protein change: p.Gly811Arg; replaces glycine 811 with arginine.
Molecular consequence: missense variant.
Genome position (GRCh38, 1-based): chr15:100,051,596, C>G on the plus strand (G>C on the coding strand, the complement: ADAMTS17 is on the minus strand). VCF-style: chr15-100051596-C-G. GRCh37 (hg19) VCF-style: chr15-100591801-C-G.
Other names: short protein forms G811R.
Identifiers: ClinVar variation 887752 (VCV000887752.5), dbSNP rs201676815, ClinGen allele CA7757733.

ClinVar aggregate classification (germline): Uncertain significance. Review status: criteria provided, multiple submitters, no conflicts (2 of 4 stars). 2 submissions from 2 submitters: Uncertain significance (2). Last evaluated 2022-04-24.

Conditions:
Weill-Marchesani 4 syndrome, recessive. Also called: Weill-Marchesani syndrome 4. Identifiers: Orphanet 363992, MedGen C2750787, MONDO:0013176, OMIM 613195.

Allele frequency attached by ClinVar (database versions not stated): TOPMed 0.00006.
gnomAD v4.1: 96 of 1,613,874 alleles (0.0059%); highest among the groups gnomAD compares: African/African-American, 0.013%; no homozygotes.

Submissions (2):

Labcorp Genetics (formerly Invitae), Labcorp
Classification: Uncertain significance. Last evaluated: 2022-04-24. Review status: criteria provided, single submitter. Criteria: Invitae Variant Classification Sherloc (09022015). Collection method: clinical testing. Allele origin: germline.
Comment: This sequence change replaces glycine, which is neutral and non-polar, with arginine, which is basic and polar, at codon 811 of the ADAMTS17 protein (p.Gly811Arg). This variant is present in population databases (rs201676815, gnomAD 0.01%). This variant has not been reported in the literature in individuals affected with ADAMTS17-related conditions. ClinVar contains an entry for this variant (Variation ID: 887752). Algorithms developed to predict the effect of missense changes on protein structure and function are either unavailable or do not agree on the potential impact of this missense change (SIFT: "Not Available"; PolyPhen-2: "Probably Damaging"; Align-GVGD: "Not Available"). In summary, the available evidence is currently insufficient to determine the role of this variant in disease. Therefore, it has been classified as a Variant of Uncertain Significance.

Illumina Laboratory Services, Illumina
Classification: Uncertain significance for Weill-Marchesani 4 syndrome, recessive. Last evaluated: 2018-03-16. Review status: criteria provided, single submitter. Criteria: ICSL Variant Classification Criteria 13 December 2019. Collection method: clinical testing. Allele origin: germline.